The following is an entry in ClinVar:

NM_001323329.2(MAPK8):c.123-51A>C

Gene: MAPK8 (mitogen-activated protein kinase 8; plus strand). Cytogenetic location: 10q11.22.
Variant type: single nucleotide variant.
Coding change: c.123-51A>C on transcript NM_001323329.2 (MANE Select); 51 bases into the intron before coding-DNA position 123, A replaced by C.
Molecular consequence: intron variant.
Genome position (GRCh38, 1-based): chr10:48,404,801, A>C. VCF-style: chr10-48404801-A-C. GRCh37 (hg19) VCF-style: chr10-49612844-A-C.
Other names: c.123-51A>C (NM_001323302.2, NM_139049.4, NM_139046.4 and 13 more transcripts).
Identifiers: ClinVar variation 1223363 (VCV001223363.6), dbSNP rs3730156, ClinGen allele CA5490684.
Genomic context (GRCh38, chr10:48,404,801, plus strand): 5'-CCAGTTACTTGTCTTTGGAGAAAGTGAGAAATGTATATGACTGTTTCATGAATTCAGTTT[A>C]CAGATTTTTGCTTGAAGTTTTTTTGTGTGTTTTTGAATTTCTTATTACAGCGCAGCTTAT-3'

ClinVar aggregate classification (germline): Benign. Review status: criteria provided, multiple submitters, no conflicts (2 of 4 stars). 3 submissions from 3 submitters: Benign (3). Last evaluated 2024-01-24.

Allele frequency attached by ClinVar (database versions not stated): ESP Exome Variant Server 0.03526; gnomAD 0.05345 and 0.05798; TOPMed 0.06521; ExAC 0.08144; 1000 Genomes Project 30x 0.09197; 1000 Genomes Project 0.09205.
gnomAD v4.1: 86,253 of 1,465,298 alleles (5.9%); highest among the groups gnomAD compares: Admixed American, 25%; 4,635 homozygotes.

Submissions (3):

Unidad de Genómica Garrahan, Hospital de Pediatría Garrahan
Classification: Benign. Last evaluated: 2024-01-24. Review status: criteria provided, single submitter. Criteria: ACMG Guidelines, 2015. Collection method: clinical testing. Allele origin: germline. Affected: no. Observed: 41 variant alleles.
Comment: This variant is classified as Benign based on local population frequency. This variant was detected in 43% of patients studied by a panel of primary immunodeficiencies. Number of patients: 41. Only high quality variants are reported.

GeneDx
Classification: Benign. Last evaluated: 2021-05-18. Review status: criteria provided, single submitter. Criteria: GeneDx Variant Classification Process June 2021. Collection method: clinical testing. Allele origin: germline. Affected: yes.

Breakthrough Genomics
Classification: Benign. Review status: criteria provided, single submitter. Criteria: ACMG Guidelines, 2015. Collection method: not provided. Allele origin: germline. Inheritance: Unknown mechanism. Affected: yes.